The following is an entry in ClinVar:

NM_032590.5(KDM2B):c.2901C>T (p.Asn967=)

Gene: KDM2B (lysine demethylase 2B; minus strand). Cytogenetic location: 12q24.31.
Variant type: single nucleotide variant.
Coding change: c.2901C>T on transcript NM_032590.5 (MANE Select); coding-DNA position 2901, C replaced by T.
Protein change: p.Asn967=; no amino-acid change (asparagine 967 retained).
Molecular consequence: synonymous variant.
Genome position (GRCh38, 1-based): chr12:121,442,540, G>A on the plus strand (C>T on the coding strand, the complement: KDM2B is on the minus strand). VCF-style: chr12-121442540-G-A. GRCh37 (hg19) VCF-style: chr12-121880343-G-A.
Other names: c.2694C>T, p.Asn898= (NM_001005366.2).
Identifiers: ClinVar variation 3055787 (VCV003055787.3), dbSNP rs200679634, ClinGen allele CA6836357.

ClinVar aggregate classification (germline): Likely benign. Review status: criteria provided, single submitter (1 of 4 stars). 2 submissions from 2 submitters: Likely benign (1). 1 of the submissions does not count toward it. Last evaluated 2026-08-01.

Conditions:
KDM2B-related disorder. Also called: KDM2B-related condition.

Allele frequency attached by ClinVar (database versions not stated): 1000 Genomes Project 30x 0.00094; ESP Exome Variant Server 0.00023; ExAC 0.00028; gnomAD 0.00047; gnomAD exomes 0.00052; TOPMed 0.00056; 1000 Genomes Project 0.00080.
gnomAD v4.1: 827 of 1,599,916 alleles (0.052%); highest among the groups gnomAD compares: Admixed American, 0.14%; 3 homozygotes.

Submissions (2):

CeGaT Center for Human Genetics Tuebingen
Classification: Likely benign. Last evaluated: 2026-08-01. Review status: criteria provided, single submitter. Criteria: CeGaT Center For Human Genetics Tuebingen Variant Classification Criteria Version 2. Collection method: clinical testing. Allele origin: germline. Affected: yes. Observed: 1 variant allele.
Comment: KDM2B: BP4, BP7

PreventionGenetics, part of Exact Sciences
Classification: Likely benign for KDM2B-related condition. Last evaluated: 2019-05-01. Review status: no assertion criteria provided. Collection method: clinical testing. Allele origin: germline. Not counted in ClinVar's aggregate classification.
Comment: This variant is classified as likely benign based on ACMG/AMP sequence variant interpretation guidelines (Richards et al. 2015 PMID: 25741868, with internal and published modifications).